The following is an entry in ClinVar:

NM_000179.3(MSH6):c.2741C>G (p.Thr914Arg)

Gene: MSH6 (mutS homolog 6; plus strand). Cytogenetic location: 2p16.3.
Variant type: single nucleotide variant.
Coding change: c.2741C>G on transcript NM_000179.3 (MANE Select); coding-DNA position 2741, C replaced by G.
Protein change: p.Thr914Arg; replaces threonine 914 with arginine.
Molecular consequence: missense variant.
Genome position (GRCh38, 1-based): chr2:47,800,724, C>G. VCF-style: chr2-47800724-C-G. GRCh37 (hg19) VCF-style: chr2-48027863-C-G.
Other names: c.1835C>G, p.Thr612Arg (NM_001406812.1, NM_001406814.1, NM_001406815.1 and 6 more transcripts); c.2747C>G, p.Thr916Arg (NM_001406813.1); c.2444C>G, p.Thr815Arg (NM_001406818.1, NM_001406819.1, NM_001406820.1 and 10 more transcripts); c.2351C>G, p.Thr784Arg (NM_001281492.2); c.2837C>G, p.Thr946Arg (NM_001406795.1, NM_001406802.1); c.2741C>G, p.Thr914Arg (NM_001406796.1, NM_001406798.1, NM_001406800.1 and 2 more transcripts); c.2216C>G, p.Thr739Arg (NM_001406799.1, NM_001406806.1, NM_001406807.1); c.2663C>G, p.Thr888Arg (NM_001406804.1); and 2 more; short protein forms T784R, T914R, T946R, T739R, T888R, T612R, T858R, T229R.
Identifiers: ClinVar variation 2100448 (VCV002100448.5), dbSNP rs1553414094, ClinGen allele CA346755399.

ClinVar aggregate classification (germline): Uncertain significance. Review status: criteria provided, multiple submitters, no conflicts (2 of 4 stars). 2 submissions from 2 submitters: Uncertain significance (2). Last evaluated 2026-07-06.

Conditions:
Hereditary nonpolyposis colorectal neoplasms. Identifiers: MedGen C0009405, MeSH D003123.
Hereditary cancer-predisposing syndrome. Also called: Tumor predisposition; Hereditary Cancer Syndrome; Hereditary neoplastic syndrome; Neoplastic Syndromes, Hereditary. Identifiers: Orphanet 140162, MedGen C0027672, MeSH D009386, MONDO:0015356.

Submissions (2):

Ambry Genetics
Classification: Uncertain significance for Hereditary cancer-predisposing syndrome. Last evaluated: 2026-07-06. Review status: criteria provided, single submitter. Criteria: Ambry Variant Classification Scheme 2023. Collection method: clinical testing. Allele origin: germline.
Comment: The p.T914R variant (also known as c.2741C>G), located in coding exon 4 of the MSH6 gene, results from a C to G substitution at nucleotide position 2741. The threonine at codon 914 is replaced by arginine, an amino acid with similar properties. This amino acid position is conserved. In addition, this alteration is predicted to be deleterious by in silico analysis. Based on the available evidence, the clinical significance of this variant remains unclear.

Labcorp Genetics (formerly Invitae), Labcorp
Classification: Uncertain significance for Hereditary nonpolyposis colorectal neoplasms. Last evaluated: 2021-12-18. Review status: criteria provided, single submitter. Criteria: Invitae Variant Classification Sherloc (09022015). Collection method: clinical testing. Allele origin: germline.
Comment: In summary, the available evidence is currently insufficient to determine the role of this variant in disease. Therefore, it has been classified as a Variant of Uncertain Significance. Advanced modeling of protein sequence and biophysical properties (such as structural, functional, and spatial information, amino acid conservation, physicochemical variation, residue mobility, and thermodynamic stability) performed at Invitae indicates that this missense variant is not expected to disrupt MSH6 protein function. This variant has not been reported in the literature in individuals affected with MSH6-related conditions. This variant is not present in population databases (gnomAD no frequency). This sequence change replaces threonine, which is neutral and polar, with arginine, which is basic and polar, at codon 914 of the MSH6 protein (p.Thr914Arg).